The following is an entry in ClinVar:

ClinVar aggregate classification (germline): Uncertain significance (1 of 4 stars; one submission).

Conditions:
Cardiovascular phenotype. Identifiers: MedGen CN230736.

gnomAD v4.1: 2 of 1,613,444 alleles (0.00012%); highest among the groups gnomAD compares: Non-Finnish European, 0.00017%; no homozygotes.

Submission:

Ambry Genetics
Classification: Uncertain significance for Cardiovascular phenotype. Last evaluated: 2023-08-03. Review status: criteria provided, single submitter. Criteria: Ambry Variant Classification Scheme 2023. Collection method: clinical testing. Allele origin: germline.
Comment: The p.E1972Q variant (also known as c.5914G>C), located in coding exon 16 of the TNXB gene, results from a G to C substitution at nucleotide position 5914. The glutamic acid at codon 1972 is replaced by glutamine, an amino acid with highly similar properties. This amino acid position is conserved. In addition, this alteration is predicted to be tolerated by in silico analysis. Since supporting evidence is limited at this time, the clinical significance of this alteration remains unclear.

NM_001365276.2(TNXB):c.5914G>C (p.Glu1972Gln)

Gene: TNXB (tenascin XB; minus strand). Cytogenetic location: 6p21.33.
Variant type: single nucleotide variant.
Coding change: c.5914G>C on transcript NM_001365276.2 (MANE Select); coding-DNA position 5914, G replaced by C.
Protein change: p.Glu1972Gln; replaces glutamic acid 1972 with glutamine.
Molecular consequence: missense variant.
Genome position (GRCh38, 1-based): chr6:32,068,696, C>G on the plus strand (G>C on the coding strand, the complement: TNXB is on the minus strand). VCF-style: chr6-32068696-C-G. GRCh37 (hg19) VCF-style: chr6-32036473-C-G.
Other names: c.5914G>C, p.Glu1972Gln (NM_019105.8); short protein forms E1972Q.
Identifiers: ClinVar variation 2586125 (VCV002586125.2), dbSNP rs1778558800, ClinGen allele CA363405811.